The following is an entry in ClinVar:

ClinVar aggregate classification (germline): Pathogenic. Review status: criteria provided, multiple submitters, no conflicts (2 of 4 stars). 3 submissions from 3 submitters: Pathogenic (3). Last evaluated 2026-07-01.

Conditions:
Glycogen storage disease, type II (IOPD). Also called: CARDIOMEGALIA GLYCOGENICA DIFFUSA; GLYCOGENOSIS, GENERALIZED, CARDIAC FORM; GSD II; Glycogen storage disease type 2; Acid maltase deficiency disease; Aglucosidase alfa. Identifiers: Orphanet 365, MedGen C0017921, MONDO:0009290, OMIM 232300.

Submissions (3):

Genomenon, Inc
Classification: Pathogenic for Glycogen storage disease, type II. Last evaluated: 2026-07-01. Review status: criteria provided, single submitter. Criteria: Genomenon Sequence Variant Interpretation Standards - Updated. Collection method: curation. Allele origin: germline. Affected: yes.
Comment: GAA p.His53ProfsTer42 (c.156_157del) is a frameshift variant that is predicted to introduce a premature termination codon and result in a truncated or absent protein product. This variant has been observed in at least one proband with a GAA-related disorder (PMID:33202836). It is absent or not present at a significant frequency in gnomAD. In conclusion, we classify GAA p.His53ProfsTer42 (c.156_157del) as a pathogenic variant.

Labcorp Genetics (formerly Invitae), Labcorp
Classification: Pathogenic for Glycogen storage disease, type II. Last evaluated: 2024-05-07. Review status: criteria provided, single submitter. Criteria: Invitae Variant Classification Sherloc (09022015). Collection method: clinical testing. Allele origin: germline.
Comment: This sequence change creates a premature translational stop signal (p.His53Profs*42) in the GAA gene. It is expected to result in an absent or disrupted protein product. Loss-of-function variants in GAA are known to be pathogenic (PMID: 18425781, 22252923). This variant is not present in population databases (gnomAD no frequency). This premature translational stop signal has been observed in individual(s) with Pompe disease (PMID: 33202836). For these reasons, this variant has been classified as Pathogenic.

Fulgent Genetics
Classification: Pathogenic for Glycogen storage disease, type II. Last evaluated: 2024-01-05. Review status: criteria provided, single submitter. Criteria: ACMG Guidelines, 2015. Collection method: clinical testing. Allele origin: germline.

Literature cited by the submitters: PubMed 33202836 (cited by Genomenon, Inc and Labcorp Genetics (formerly Invitae), Labcorp); PubMed 18425781 (cited by Labcorp Genetics (formerly Invitae), Labcorp); PubMed 22252923 (cited by Labcorp Genetics (formerly Invitae), Labcorp).

NM_000152.5(GAA):c.156_157del (p.His53fs)

Gene: GAA (alpha glucosidase; plus strand). Cytogenetic location: 17q25.3.
Variant type: Deletion.
Coding change: c.156_157del on transcript NM_000152.5 (MANE Select); coding-DNA positions 156 to 157, 2 bases deleted (TC; older notation c.156_157delTC).
Protein change: p.His53fs; shifts the reading frame from histidine 53.
Molecular consequence: frameshift variant.
Genome position (GRCh38, 1-based): chr17:80,104,742-80,104,743, TC deleted; deleting any 2 consecutive bases within chr17:80,104,741-80,104,743 gives the same sequence; the c. name uses the placement nearest the transcript's 3' end. VCF-style (leftmost placement, unchanged base first): chr17-80104740-ACT-A. GRCh37 (hg19) VCF-style: chr17-78078539-ACT-A.
Other names: c.156_157del, p.His53fs (NM_001079803.3, NM_001079804.3, NM_001406741.1 and 1 more transcripts); short protein forms H53fs.
Identifiers: ClinVar variation 3019686 (VCV003019686.5), dbSNP rs1027029347, ClinGen allele CA294886619.